The following is an entry in ClinVar:

NM_001164508.2(NEB):c.22333_22339del (p.Asp7445fs)

Genes: NEB (nebulin; minus strand), RIF1 (replication timing regulatory factor 1; plus strand). Cytogenetic location: 2q23.3.
Variant type: Deletion.
Coding change: c.22333_22339del on transcript NM_001164508.2 (MANE Select); coding-DNA positions 22333 to 22339, 7 bases deleted (GACATCA; older notation c.22333_22339delGACATCA).
Protein change: p.Asp7445fs; shifts the reading frame from aspartic acid 7445.
Molecular consequence: frameshift variant.
Genome position (GRCh38, 1-based): chr2:151,524,550-151,524,556, TGATGTC deleted on the plus strand (GACATCA on the coding strand, the reverse complement: NEB is on the minus strand); deleting any 7 consecutive bases within chr2:151,524,550-151,524,558 gives the same sequence; the c. name uses the placement nearest the transcript's 3' end. VCF-style (leftmost placement, unchanged base first): chr2-151524549-TTGATGTC-T. GRCh37 (hg19) VCF-style: chr2-152381063-TTGATGTC-T.
Other names: c.22333_22339del, p.Asp7445fs (NM_001164507.2); c.22438_22444del, p.Asp7480fs (NM_001271208.2); c.17230_17236del, p.Asp5744fs (NM_004543.5); short protein forms D5744fs, D7480fs, D7445fs.
Identifiers: ClinVar variation 2059848 (VCV002059848.5), dbSNP rs2552108670, ClinGen allele CA2580063977.

ClinVar aggregate classification (germline): Pathogenic. Review status: criteria provided, multiple submitters, no conflicts (2 of 4 stars). 2 submissions from 2 submitters: Pathogenic (2). Last evaluated 2026-03-01.

Conditions:
Nemaline myopathy 2 (NEM2). Also called: Nemaline myopathy 2, autosomal recessive. Identifiers: MedGen C1850569, MONDO:0009725, OMIM 256030.

Submissions (2):

Myriad Genetics, Inc.
Classification: Pathogenic for Nemaline myopathy 2. Last evaluated: 2026-03-01. Review status: criteria provided, single submitter. Criteria: Myriad Autosomal Dominant, Autosomal Recessive and X-Linked Classification Criteria (2023). Collection method: clinical testing. Allele origin: unknown.
Comment: NM_001271208.1(NEB):c.22438_22444del7(D7480Rfs*27) is expected to be pathogenic in the context of NEB-related nemaline myopathy. This variant is predicted to lead to an abnormal or absent protein product due to the creation of a premature termination codon in NEB, a gene where loss-of-function variants are known to be pathogenic. Please note: this variant was assessed in the context of healthy population screening.

Labcorp Genetics (formerly Invitae), Labcorp
Classification: Pathogenic for Nemaline myopathy 2. Last evaluated: 2022-08-31. Review status: criteria provided, single submitter. Criteria: Invitae Variant Classification Sherloc (09022015). Collection method: clinical testing. Allele origin: germline.
Comment: This sequence change creates a premature translational stop signal (p.Asp7480Argfs*27) in the NEB gene. It is expected to result in an absent or disrupted protein product. Loss-of-function variants in NEB are known to be pathogenic (PMID: 25205138). For these reasons, this variant has been classified as Pathogenic. This variant has not been reported in the literature in individuals affected with NEB-related conditions. This variant is not present in population databases (gnomAD no frequency).

Literature cited by the submitters: PubMed 25205138 (cited by Labcorp Genetics (formerly Invitae), Labcorp).